The following is an entry in ClinVar:

NM_000021.4(PSEN1):c.1184A>T (p.Lys395Ile)

Gene: PSEN1 (presenilin 1; plus strand). Cytogenetic location: 14q24.2.
Variant type: single nucleotide variant.
Coding change: c.1184A>T on transcript NM_000021.4 (MANE Select); coding-DNA position 1184, A replaced by T.
Protein change: p.Lys395Ile; replaces lysine 395 with isoleucine.
Molecular consequence: missense variant.
Genome position (GRCh38, 1-based): chr14:73,217,180, A>T. VCF-style: chr14-73217180-A-T. GRCh37 (hg19) VCF-style: chr14-73683888-A-T.
Other names: c.1172A>T, p.Lys391Ile (NM_007318.3); short protein forms K391I, K395I.
Identifiers: ClinVar variation 1806873 (VCV001806873.6), dbSNP rs2503026845, ClinGen allele CA390305807.

ClinVar aggregate classification (germline): Uncertain significance. Review status: criteria provided, multiple submitters, no conflicts (2 of 4 stars). 2 submissions from 2 submitters: Uncertain significance (2). Last evaluated 2023-02-10.

Conditions:
Alzheimer disease 3 (AD3). Also called: ALZHEIMER DISEASE, FAMILIAL, 3. Identifiers: Orphanet 1020, MedGen C1843013, MONDO:0011913, OMIM 607822.
Pick disease. Also called: PICK DISEASE OF BRAIN; DEMENTIA WITH LOBAR ATROPHY AND NEURONAL CYTOPLASMIC INCLUSIONS; LOBAR ATROPHY OF BRAIN; Pick's disease; Pick Disease of the Brain. Identifiers: Orphanet 282, MedGen C0236642, MONDO:0008243, OMIM 172700.
Acne inversa, familial, 3 (ACNINV3). Identifiers: MedGen C3151038, MONDO:0013398, OMIM 613737.
Frontotemporal dementia (FTD1). Also called: WILHELMSEN-LYNCH DISEASE; FRONTOTEMPORAL DEMENTIA WITH PARKINSONISM; FRONTOTEMPORAL LOBE DEMENTIA; Dementia, frontotemporal, with or without parkinsonism; Frontotemporal Dementia with Parkinsonism-17 (FTDP-17); MULTIPLE SYSTEM TAUOPATHY WITH PRESENILE DEMENTIA. Identifiers: Orphanet 282, MedGen C0338451, MONDO:0017276, OMIM 600274, HP:0002145.

Submissions (2):

Labcorp Genetics (formerly Invitae), Labcorp
Classification: Uncertain significance for Alzheimer disease 3; Pick disease; Acne inversa, familial, 3; Frontotemporal dementia. Last evaluated: 2023-02-10. Review status: criteria provided, single submitter. Criteria: Invitae Variant Classification Sherloc (09022015). Collection method: clinical testing. Allele origin: germline.
Comment: This sequence change replaces lysine, which is basic and polar, with isoleucine, which is neutral and non-polar, at codon 395 of the PSEN1 protein (p.Lys395Ile). This variant is not present in population databases (gnomAD no frequency). This variant has not been reported in the literature in individuals affected with PSEN1-related conditions. ClinVar contains an entry for this variant (Variation ID: 1806873). Advanced modeling of protein sequence and biophysical properties (such as structural, functional, and spatial information, amino acid conservation, physicochemical variation, residue mobility, and thermodynamic stability) performed at Invitae indicates that this missense variant is expected to disrupt PSEN1 protein function. In summary, the available evidence is currently insufficient to determine the role of this variant in disease. Therefore, it has been classified as a Variant of Uncertain Significance.

Athena Diagnostics
Classification: Uncertain significance. Last evaluated: 2021-09-16. Review status: criteria provided, single submitter. Criteria: Athena Diagnostics Criteria. Collection method: clinical testing. Allele origin: unknown.